The following is an entry in ClinVar:

NM_015192.4(PLCB1):c.1710C>T (p.Phe570=)

Gene: PLCB1 (phospholipase C beta 1; plus strand). Cytogenetic location: 20p12.3.
Variant type: single nucleotide variant.
Coding change: c.1710C>T on transcript NM_015192.4 (MANE Select); coding-DNA position 1710, C replaced by T.
Protein change: p.Phe570=; no amino-acid change (phenylalanine 570 retained).
Molecular consequence: synonymous variant.
Genome position (GRCh38, 1-based): chr20:8,727,340, C>T. VCF-style: chr20-8727340-C-T. GRCh37 (hg19) VCF-style: chr20-8707987-C-T.
Other names: c.1710C>T, p.Phe570= (NM_182734.3).
Identifiers: ClinVar variation 1542097 (VCV001542097.24), dbSNP rs772233698, ClinGen allele CA9760057.

ClinVar aggregate classification (germline): Likely benign. Review status: criteria provided, multiple submitters, no conflicts (2 of 4 stars). 3 submissions from 3 submitters: Likely benign (3). Last evaluated 2025-08-28.

Conditions:
Inborn genetic diseases. Identifiers: MedGen C0950123, MeSH D030342.
Developmental and epileptic encephalopathy, 12 (DEE12). Identifiers: MedGen C3150988, MONDO:0013389, OMIM 613722.

Allele frequency attached by ClinVar (database versions not stated): gnomAD 0.00001; gnomAD exomes 0.00002 and 0.00006; TOPMed 0.00002; ExAC 0.00005.
gnomAD v4.1: 29 of 1,604,946 alleles (0.0018%); highest among the groups gnomAD compares: Middle Eastern, 0.033%; no homozygotes.

Submissions (3):

Labcorp Genetics (formerly Invitae), Labcorp
Classification: Likely benign for Developmental and epileptic encephalopathy, 12. Last evaluated: 2025-08-28. Review status: criteria provided, single submitter. Criteria: Invitae Variant Classification Sherloc (09022015). Collection method: clinical testing. Allele origin: germline.

CeGaT Center for Human Genetics Tuebingen
Classification: Likely benign. Last evaluated: 2024-09-01. Review status: criteria provided, single submitter. Criteria: CeGaT Center For Human Genetics Tuebingen Variant Classification Criteria Version 2. Collection method: clinical testing. Allele origin: germline. Affected: yes. Observed: 1 variant allele.
Comment: PLCB1: BP4, BP7

Ambry Genetics
Classification: Likely benign for Inborn genetic diseases. Last evaluated: 2017-10-27. Review status: criteria provided, single submitter. Criteria: Ambry Variant Classification Scheme 2023. Collection method: clinical testing. Allele origin: germline.